The following is an entry in ClinVar:

ClinVar aggregate classification (germline): Likely benign (0 of 4 stars; one submission).

Conditions:
FAT1-related disorder. Also called: FAT1-related condition.

Allele frequency attached by ClinVar (database versions not stated): gnomAD 0.00001; gnomAD exomes 0.00001; TOPMed 0.00001; ExAC 0.00002.
gnomAD v4.1: 9 of 1,613,904 alleles (0.00056%); highest among the groups gnomAD compares: African/African-American, 0.0013%; no homozygotes.

Submission:

PreventionGenetics, part of Exact Sciences
Classification: Likely benign for FAT1-related condition. Last evaluated: 2024-02-07. Review status: no assertion criteria provided. Collection method: clinical testing. Allele origin: germline.
Comment: This variant is classified as likely benign based on ACMG/AMP sequence variant interpretation guidelines (Richards et al. 2015 PMID: 25741868, with internal and published modifications).

NM_005245.4(FAT1):c.6249C>T (p.Asn2083=)

Gene: FAT1 (FAT atypical cadherin 1; minus strand). Cytogenetic location: 4q35.2.
Variant type: single nucleotide variant.
Coding change: c.6249C>T on transcript NM_005245.4 (MANE Select); coding-DNA position 6249, C replaced by T.
Protein change: p.Asn2083=; no amino-acid change (asparagine 2083 retained).
Molecular consequence: synonymous variant.
Genome position (GRCh38, 1-based): chr4:186,620,337, G>A on the plus strand (C>T on the coding strand, the complement: FAT1 is on the minus strand). VCF-style: chr4-186620337-G-A. GRCh37 (hg19) VCF-style: chr4-187541491-G-A.
Identifiers: ClinVar variation 3044643 (VCV003044643.2), dbSNP rs762074351, ClinGen allele CA3166287.
Genomic context (GRCh38, chr4:186,620,337, plus strand): 5'-GACATAGCGAATGACATGGCCCACCTCAGTGTCCACTTTAACAACGGCGTAGTAGGGAAG[G>A]TTGACAAACACCGGCGCATTATCATTTTGGTCTTCTACAATGACCTTCACGACAACGTGG-3'
Protein context (NP_005236.2, residues 2073-2093): DQNDNAPVFV[Asn2083=]LPYYAVVKVD